The following is an entry in ClinVar:

ClinVar aggregate classification (germline): Uncertain significance (1 of 4 stars; one submission).

Conditions:
Ataxia-telangiectasia syndrome (AT). Also called: LOUIS-BAR SYNDROME; Ataxia-telangiectasia; Cerebello-oculocutaneous telangiectasia; Immunodeficiency with ataxia telangiectasia; ATAXIA-TELANGIECTASIA, COMPLEMENTATION GROUP A; ATAXIA-TELANGIECTASIA, FRESNO VARIANT. Identifiers: Orphanet 100, MedGen C0004135, MONDO:0008840, OMIM 208900.

Submission:

Labcorp Genetics (formerly Invitae), Labcorp
Classification: Uncertain significance for Ataxia-telangiectasia syndrome. Last evaluated: 2020-12-12. Review status: criteria provided, single submitter. Criteria: Invitae Variant Classification Sherloc (09022015). Collection method: clinical testing. Allele origin: germline.
Comment: This variant is not present in population databases (ExAC no frequency). This variant has not been reported in the literature in individuals with ATM-related conditions. Advanced modeling of protein sequence and biophysical properties (such as structural, functional, and spatial information, amino acid conservation, physicochemical variation, residue mobility, and thermodynamic stability) performed at Invitae indicates that this missense variant is not expected to disrupt ATM protein function. In summary, the available evidence is currently insufficient to determine the role of this variant in disease. Therefore, it has been classified as a Variant of Uncertain Significance. This sequence change replaces phenylalanine with tyrosine at codon 1683 of the ATM protein (p.Phe1683Tyr). The phenylalanine residue is moderately conserved and there is a small physicochemical difference between phenylalanine and tyrosine.

NM_000051.4(ATM):c.5048T>A (p.Phe1683Tyr)

Gene: ATM (ATM serine/threonine kinase; plus strand). Cytogenetic location: 11q22.3.
Variant type: single nucleotide variant.
Coding change: c.5048T>A on transcript NM_000051.4 (MANE Select); coding-DNA position 5048, T replaced by A.
Protein change: p.Phe1683Tyr; replaces phenylalanine 1683 with tyrosine.
Molecular consequence: missense variant.
Genome position (GRCh38, 1-based): chr11:108,299,756, T>A. VCF-style: chr11-108299756-T-A. GRCh37 (hg19) VCF-style: chr11-108170483-T-A.
Other names: c.5048T>A, p.Phe1683Tyr (NM_001351834.2); short protein forms F1683Y.
Identifiers: ClinVar variation 1493221 (VCV001493221.8), dbSNP rs2083322735, ClinGen allele CA382540443.